The following is an entry in ClinVar:

ClinVar aggregate classification (germline): Uncertain significance (1 of 4 stars; one submission).

gnomAD v4.1: 1 of 1,613,896 alleles (0.000062%); highest among the groups gnomAD compares: Non-Finnish European, 0.000085%; no homozygotes.

Submission:

GeneDx
Classification: Uncertain significance. Last evaluated: 2022-11-29. Review status: criteria provided, single submitter. Criteria: GeneDx Variant Classification Process June 2021. Collection method: clinical testing. Allele origin: germline. Affected: yes.
Comment: Not observed at significant frequency in large population cohorts (gnomAD); Missense variants in this gene are often considered pathogenic (HGMD); In silico analysis supports that this missense variant does not alter protein structure/function; Has not been previously published as pathogenic or benign to our knowledge

NM_001040142.2(SCN2A):c.2054C>G (p.Ser685Cys)

Gene: SCN2A (sodium voltage-gated channel alpha subunit 2; plus strand). Cytogenetic location: 2q24.3.
Variant type: single nucleotide variant.
Coding change: c.2054C>G on transcript NM_001040142.2 (MANE Select); coding-DNA position 2054, C replaced by G.
Protein change: p.Ser685Cys; replaces serine 685 with cysteine.
Molecular consequence: missense variant.
Genome position (GRCh38, 1-based): chr2:165,326,889, C>G. VCF-style: chr2-165326889-C-G. GRCh37 (hg19) VCF-style: chr2-166183399-C-G.
Other names: c.2054C>G, p.Ser685Cys (NM_001040143.2, NM_001371246.1, NM_001371247.1 and 1 more transcripts); short protein forms S685C.
Identifiers: ClinVar variation 2503387 (VCV002503387.1), dbSNP rs1304487516, ClinGen allele CA349029188.